The following is an entry in ClinVar:

NM_000059.4(BRCA2):c.9084del (p.Ala3029fs)

Gene: BRCA2 (BRCA2 DNA repair associated; plus strand). Cytogenetic location: 13q13.1.
Variant type: Deletion.
Coding change: c.9084del on transcript NM_000059.4 (MANE Select); coding-DNA position 9084, one base deleted (A; older notation c.9084delA).
Protein change: p.Ala3029fs; shifts the reading frame from alanine 3029.
Molecular consequence: frameshift variant. On other transcripts: non-coding transcript variant (1).
Genome position (GRCh38, 1-based): chr13:32,379,880, A deleted. VCF-style (leftmost placement, unchanged base first): chr13-32379879-CA-C. GRCh37 (hg19) VCF-style: chr13-32954016-CA-C.
Other names: c.8988del, p.Ala2997fs (NM_001406719.1); c.9033del, p.Ala3012fs (NM_001406720.1); c.4152del, p.Ala1385fs (NM_001406721.1); c.2667del, p.Ala890fs (NM_001406722.1); short protein forms A1385fs, A2997fs, A3012fs, A3029fs, A890fs.
Identifiers: ClinVar variation 3242222 (VCV003242222.2).

ClinVar aggregate classification (germline): Pathogenic. Review status: criteria provided, single submitter (1 of 4 stars). 2 submissions from 2 submitters: Pathogenic (1). 1 of the submissions does not count toward it. Last evaluated 2025-12-22.

Conditions:
Breast-ovarian cancer, familial, susceptibility to, 2 (BROVCA2). Also called: BRCA2 Hereditary Breast and Ovarian Cancer. Identifiers: Orphanet 145, MedGen C2675520, MONDO:0012933, OMIM 612555. Disease mechanism: loss of function.
Hereditary cancer-predisposing syndrome. Also called: Tumor predisposition; Hereditary Cancer Syndrome; Hereditary neoplastic syndrome; Neoplastic Syndromes, Hereditary. Identifiers: Orphanet 140162, MedGen C0027672, MeSH D009386, MONDO:0015356.

Submissions (2):

Ambry Genetics
Classification: Pathogenic for Hereditary cancer-predisposing syndrome. Last evaluated: 2025-12-22. Review status: criteria provided, single submitter. Criteria: Ambry Variant Classification Scheme 2023. Collection method: clinical testing. Allele origin: germline.
Comment: The c.9084delA pathogenic mutation, located in coding exon 22 of the BRCA2 gene, results from a deletion of one nucleotide at nucleotide position 9084, causing a translational frameshift with a predicted alternate stop codon (p.A3029Rfs*33). This variant is considered to be rare based on population cohorts in the Genome Aggregation Database (gnomAD). This alteration is expected to result in loss of function by premature protein truncation or nonsense-mediated mRNA decay. As such, this alteration is interpreted as a disease-causing mutation.

Molecular Oncology, Hospital Universitario Central de Asturias (HUCA)
Classification: Pathogenic for Breast-ovarian cancer, familial, susceptibility to, 2. Last evaluated: 2021-05-24. Review status: no assertion criteria provided. Collection method: case-control. Allele origin: germline. Affected: yes. Not counted in ClinVar's aggregate classification.

Literature cited by the submitters: PubMed 38922859 (cited by Molecular Oncology, Hospital Universitario Central de Asturias (HUCA)).